The following is an entry in ClinVar:

NM_152564.5(VPS13B):c.1206+17G>A

Gene: VPS13B (vacuolar protein sorting 13 homolog B; plus strand). Cytogenetic location: 8q22.2.
Variant type: single nucleotide variant.
Coding change: c.1206+17G>A on transcript NM_152564.5 (MANE Select); 17 bases into the intron after coding-DNA position 1206, G replaced by A.
Molecular consequence: intron variant. On other transcripts: missense variant (1), non-coding transcript variant (1).
Genome position (GRCh38, 1-based): chr8:99,121,462, G>A. VCF-style: chr8-99121462-G-A. GRCh37 (hg19) VCF-style: chr8-100133690-G-A.
Other names: c.1223G>A, p.Cys408Tyr (NM_181661.3); c.1206+17G>A (NM_017890.5, NM_015243.3); short protein forms C408Y.
Identifiers: ClinVar variation 2166836 (VCV002166836.5), dbSNP rs1490266167, ClinGen allele CA371861388.

ClinVar aggregate classification (germline): Likely benign. Review status: criteria provided, multiple submitters, no conflicts (2 of 4 stars). 2 submissions from 2 submitters: Likely benign (2). Last evaluated 2026-06-25.

Conditions:
VPS13B-related disorder. Also called: VPS13B-related condition.
Cohen syndrome (COH1). Also called: PEPPER SYNDROME; Cutis verticis gyrata, retinitis pigmentosa, and sensorineural deafness. Identifiers: Orphanet 193, MedGen C0265223, MONDO:0008999, OMIM 216550.

Allele frequency attached by ClinVar (database versions not stated): gnomAD 0.00002.
gnomAD v4.1: 3 of 1,613,698 alleles (0.00019%); highest among the groups gnomAD compares: African/African-American, 0.004%; no homozygotes.

Submissions (2):

PreventionGenetics, part of Exact Sciences
Classification: Likely benign for VPS13B-related condition. Last evaluated: 2026-06-25. Review status: criteria provided, single submitter. Criteria: ACMG Guidelines, 2015. Collection method: clinical testing. Allele origin: germline.
Comment: This variant is classified as likely benign based on ACMG/AMP sequence variant interpretation guidelines (Richards et al. 2015 PMID: 25741868, with internal and published modifications).

Labcorp Genetics (formerly Invitae), Labcorp
Classification: Likely benign for Cohen syndrome. Last evaluated: 2024-07-27. Review status: criteria provided, single submitter. Criteria: Invitae Variant Classification Sherloc (09022015). Collection method: clinical testing. Allele origin: germline.